The following is an entry in ClinVar:

ClinVar aggregate classification (germline): Uncertain significance (1 of 4 stars; one submission).

Submission:

GeneDx
Classification: Uncertain significance. Last evaluated: 2022-01-12. Review status: criteria provided, single submitter. Criteria: GeneDx Variant Classification Process June 2021. Collection method: clinical testing. Allele origin: germline. Affected: yes.
Comment: De novo variant with confirmed parentage; however, the reported clinical features are only partially consistent with the features typically observed in individuals with pathogenic variants in this gene; Frameshift variant predicted to result in protein truncation or nonsense mediated decay in a gene for which loss-of-function is a known mechanism of disease; Not observed at significant frequency in large population cohorts (gnomAD); Has not been previously published as pathogenic or benign to our knowledge

NM_001273.2(CHD4):c.4516del

Genes: CHD4 (chromodomain helicase DNA binding protein 4; minus strand), CHD4-AS1 (CHD4 antisense RNA 1; plus strand). Cytogenetic location: 12p13.31.
Variant type: Deletion.
Coding change: c.4516del on transcript NM_001273.2; coding-DNA position 4516, one base deleted (G; older notation c.4516delG).
Genome position (GRCh38, 1-based): chr12:6,581,814, C deleted on the plus strand (G on the coding strand, the reverse complement: CHD4 is on the minus strand); the first of 2 consecutive C bases (chr12:6,581,814-6,581,815); deleting either gives the same sequence. VCF-style (leftmost placement, unchanged base first): chr12-6581813-AC-A. GRCh37 (hg19) VCF-style: chr12-6690979-AC-A.
Identifiers: ClinVar variation 1697047 (VCV001697047.2), dbSNP rs2540380595, ClinGen allele CA2580086258.